The following is an entry in ClinVar:

NM_000091.5(COL4A3):c.3956-1G>A

Genes: COL4A3 (collagen type IV alpha 3 chain; plus strand), MFF-DT (MFF divergent transcript; minus strand). Cytogenetic location: 2q36.3.
Variant type: single nucleotide variant.
Coding change: c.3956-1G>A on transcript NM_000091.5 (MANE Select); the canonical splice acceptor site of the intron before coding-DNA position 3956, G replaced by A.
Molecular consequence: splice acceptor variant.
Genome position (GRCh38, 1-based): chr2:227,303,858, G>A. VCF-style: chr2-227303858-G-A. GRCh37 (hg19) VCF-style: chr2-228168574-G-A.
Identifiers: ClinVar variation 2579918 (VCV002579918.5), dbSNP rs2469908727, ClinGen allele CA350862345.

ClinVar aggregate classification (germline): Likely pathogenic. Review status: criteria provided, multiple submitters, no conflicts (2 of 4 stars). 3 submissions from 3 submitters: Likely pathogenic (3). Last evaluated 2025-01-28.

Conditions:
Alport syndrome. Also called: Hemorrhagic familial nephritis; Hemorrhagic hereditary nephritis; Congenital hereditary hematuria. Identifiers: Orphanet 63, MedGen C1567741, MONDO:0018965.

Submissions (3):

Myriad Genetics, Inc.
Classification: Likely pathogenic for Alport syndrome. Last evaluated: 2025-01-28. Review status: criteria provided, single submitter. Criteria: Myriad Autosomal Dominant, Autosomal Recessive and X-Linked Classification Criteria (2023). Collection method: clinical testing. Allele origin: unknown.
Comment: NM_000091.4(COL4A3):c.3956-1G>A is a variant in a canonical splice site classified as likely pathogenic in the context of Alport syndrome, COL4A3-related. c.3956-1G>A has been observed in a case with relevant disease (PMID: 11134255). Relevant functional assessments of this variant are not available in the literature. c.3956-1G>A has not been observed in referenced population frequency databases. In summary, NM_000091.4(COL4A3):c.3956-1G>A is a variant in a canonical splice site that has been observed more frequently in cases with the relevant disease than in healthy populations. Please note: this variant was assessed in the context of healthy population screening.

Labcorp Genetics (formerly Invitae), Labcorp
Classification: Likely pathogenic. Last evaluated: 2023-04-28. Review status: criteria provided, single submitter. Criteria: Invitae Variant Classification Sherloc (09022015). Collection method: clinical testing. Allele origin: germline.
Comment: This variant is not present in population databases (gnomAD no frequency). Disruption of this splice site has been observed in individual(s) with Alport syndrome (PMID: 11134255). Algorithms developed to predict the effect of sequence changes on RNA splicing suggest that this variant may disrupt the consensus splice site. In summary, the currently available evidence indicates that the variant is pathogenic, but additional data are needed to prove that conclusively. Therefore, this variant has been classified as Likely Pathogenic. This sequence change affects an acceptor splice site in intron 44 of the COL4A3 gene. It is expected to disrupt RNA splicing. Variants that disrupt the donor or acceptor splice site typically lead to a loss of protein function (PMID: 16199547), and loss-of-function variants in COL4A3 are known to be pathogenic (PMID: 8956999, 24854265, 26809805, 27281700).

GeneDx
Classification: Likely pathogenic. Last evaluated: 2023-03-17. Review status: criteria provided, single submitter. Criteria: GeneDx Variant Classification Process June 2021. Collection method: clinical testing. Allele origin: germline. Affected: yes.
Comment: Canonical splice site variant predicted to result in in-frame deletion within a critical region. Variant damages or destroys the canonical splice acceptor site in intron 44, and is expected to cause abnormal gene splicing; if the splice outcome is exon skip, the loss of the encoded residues in the triple helical region is expected to disrupt normal protein folding and function; Not observed at significant frequency in large population cohorts (gnomAD); This variant is associated with the following publications: (PMID: 25525159, 11134255)

Literature cited by the submitters: PubMed 11134255 (cited by Myriad Genetics, Inc. and Labcorp Genetics (formerly Invitae), Labcorp); PubMed 16199547 (cited by Labcorp Genetics (formerly Invitae), Labcorp); PubMed 8956999 (cited by Labcorp Genetics (formerly Invitae), Labcorp); PubMed 24854265 (cited by Labcorp Genetics (formerly Invitae), Labcorp); PubMed 26809805 (cited by Labcorp Genetics (formerly Invitae), Labcorp); PubMed 27281700 (cited by Labcorp Genetics (formerly Invitae), Labcorp).